The following is an entry in ClinVar:

ClinVar aggregate classification (germline): Uncertain significance. Review status: criteria provided, multiple submitters, no conflicts (2 of 4 stars). 2 submissions from 2 submitters: Uncertain significance (2). Last evaluated 2026-01-27.

Conditions:
Pulmonary fibrosis and/or bone marrow failure, Telomere-related, 3. Also called: PULMONARY FIBROSIS AND/OR BONE MARROW FAILURE SYNDROME, TELOMERE-RELATED, 3. Identifiers: Orphanet 2032, MedGen C4225346, MONDO:0014613, OMIM 616373.
Dyskeratosis congenita, autosomal recessive 5 (DKCB5). Identifiers: MedGen C3554656, MONDO:0014076, OMIM 615190.
Inborn genetic diseases. Identifiers: MedGen C0950123, MeSH D030342.

Submissions (2):

Labcorp Genetics (formerly Invitae), Labcorp
Classification: Uncertain significance for Dyskeratosis congenita, autosomal recessive 5; Pulmonary fibrosis and/or bone marrow failure, Telomere-related, 3. Last evaluated: 2026-01-27. Review status: criteria provided, single submitter. Criteria: Invitae Variant Classification Sherloc (09022015). Collection method: clinical testing. Allele origin: germline.
Comment: This sequence change replaces glutamine, which is neutral and polar, with arginine, which is basic and polar, at codon 1229 of the RTEL1 protein (p.Gln1229Arg). This variant is present in population databases (rs373525035, gnomAD 0.003%). This variant has not been reported in the literature in individuals affected with RTEL1-related conditions. ClinVar contains an entry for this variant (Variation ID: 3436029). An algorithm developed to predict the effect of missense changes on protein structure and function (PolyPhen-2) suggests that this variant is likely to be tolerated. In summary, the available evidence is currently insufficient to determine the role of this variant in disease. Therefore, it has been classified as a Variant of Uncertain Significance.

Ambry Genetics
Classification: Uncertain significance for Inborn genetic diseases. Last evaluated: 2024-12-06. Review status: criteria provided, single submitter. Criteria: Ambry Variant Classification Scheme 2023. Collection method: clinical testing. Allele origin: germline.
Comment: The p.Q1229R variant (also known as c.3686A>G), located in coding exon 33 of the RTEL1 gene, results from an A to G substitution at nucleotide position 3686. The glutamine at codon 1229 is replaced by arginine, an amino acid with highly similar properties. This amino acid position is conserved. In addition, this alteration is predicted to be tolerated by in silico analysis. Based on the available evidence, the clinical significance of this variant remains unclear.

NM_001283009.2(RTEL1):c.3686A>G (p.Gln1229Arg)

Genes: RTEL1 (regulator of telomere elongation helicase 1; plus strand), RTEL1-TNFRSF6B (RTEL1-TNFRSF6B readthrough (NMD candidate); plus strand). Cytogenetic location: 20q13.33.
Variant type: single nucleotide variant.
Coding change: c.3686A>G on transcript NM_001283009.2 (MANE Select); coding-DNA position 3686, A replaced by G.
Protein change: p.Gln1229Arg; replaces glutamine 1229 with arginine.
Molecular consequence: missense variant. On other transcripts: non-coding transcript variant (1), intron variant (3).
Genome position (GRCh38, 1-based): chr20:63,695,514, A>G. VCF-style: chr20-63695514-A-G. GRCh37 (hg19) VCF-style: chr20-62326867-A-G.
Other names: c.2983+34A>G (NM_001283010.1); c.3724+34A>G (NM_032957.5); c.3652+34A>G (NM_016434.4); short protein forms Q1229R.
Identifiers: ClinVar variation 3436029 (VCV003436029.2).